The following is an entry in ClinVar:

NM_006030.4(CACNA2D2):c.1615C>T (p.Pro539Ser)

Gene: CACNA2D2 (calcium voltage-gated channel auxiliary subunit alpha2delta 2; minus strand). Cytogenetic location: 3p21.31.
Variant type: single nucleotide variant.
Coding change: c.1615C>T on transcript NM_006030.4 (MANE Select); coding-DNA position 1615, C replaced by T.
Protein change: p.Pro539Ser; replaces proline 539 with serine.
Molecular consequence: missense variant.
Genome position (GRCh38, 1-based): chr3:50,377,478, G>A on the plus strand (C>T on the coding strand, the complement: CACNA2D2 is on the minus strand). VCF-style: chr3-50377478-G-A. GRCh37 (hg19) VCF-style: chr3-50414909-G-A.
Other names: c.1615C>T, p.Pro539Ser (NM_001005505.3, NM_001174051.3, NM_001410768.1); c.1408C>T, p.Pro470Ser (NM_001291101.1); short protein forms P470S, P539S.
Identifiers: ClinVar variation 1998757 (VCV001998757.4), dbSNP rs1705051616, ClinGen allele CA352927256.
Genomic context (GRCh38, chr3:50,377,478, plus strand): 5'-TGTGTCCACATGGGAGGCAGGGTACGCGGATGGGCAGGGGGATGCTCACCGTGTAGTTGG[G>A]GGTCAGCCTCTTGATGTCATTCAGAGCCACGTCAATGCCCATCACGCCCAGGATCAGCTG-3'
Protein context (NP_006021.2, residues 529-549): VALNDIKRLT[Pro539Ser]NYTLGANGYV

ClinVar aggregate classification (germline): Uncertain significance (1 of 4 stars; one submission).

Conditions:
Early-infantile DEE. Also called: Ohtahara syndrome; Early infantile epileptic encephalopathy; Early infantile epileptic encephalopathy with suppression bursts. Identifiers: Orphanet 1934, MedGen C0393706, MONDO:0800491.

Submission:

Labcorp Genetics (formerly Invitae), Labcorp
Classification: Uncertain significance for Early-infantile DEE. Last evaluated: 2025-07-07. Review status: criteria provided, single submitter. Criteria: Invitae Variant Classification Sherloc (09022015). Collection method: clinical testing. Allele origin: germline.
Comment: This sequence change replaces proline, which is neutral and non-polar, with serine, which is neutral and polar, at codon 539 of the CACNA2D2 protein (p.Pro539Ser). This variant is not present in population databases (gnomAD no frequency). This variant has not been reported in the literature in individuals affected with CACNA2D2-related conditions. ClinVar contains an entry for this variant (Variation ID: 1998757). An algorithm developed to predict the effect of missense changes on protein structure and function (PolyPhen-2) suggests that this variant is likely to be disruptive. In summary, the available evidence is currently insufficient to determine the role of this variant in disease. Therefore, it has been classified as a Variant of Uncertain Significance.